The following is an entry in ClinVar:

NM_000349.3(STAR):c.779T>C (p.Leu260Pro)

Gene: STAR (steroidogenic acute regulatory protein; minus strand). Cytogenetic location: 8p11.23.
Variant type: single nucleotide variant.
Coding change: c.779T>C on transcript NM_000349.3 (MANE Select); coding-DNA position 779, T replaced by C.
Protein change: p.Leu260Pro; replaces leucine 260 with proline.
Molecular consequence: missense variant.
Genome position (GRCh38, 1-based): chr8:38,144,352, A>G on the plus strand (T>C on the coding strand, the complement: STAR is on the minus strand). VCF-style: chr8-38144352-A-G. GRCh37 (hg19) VCF-style: chr8-38001870-A-G.
Other names: short protein forms L260P.
Identifiers: ClinVar variation 553482 (VCV000553482.13), dbSNP rs551783234, ClinGen allele CA4715129.

ClinVar aggregate classification (germline): Pathogenic/Likely pathogenic. Review status: criteria provided, multiple submitters, no conflicts (2 of 4 stars). 4 submissions from 4 submitters: Pathogenic (1); Likely pathogenic (2). 1 of the submissions does not count toward it. Last evaluated 2025-11-11.

Conditions:
Congenital lipoid adrenal hyperplasia due to STAR deficency. Also called: Lipoid adrenal hyperplasia; Congenital Lipoid Adrenal Hyperplasia; ADRENAL HYPERPLASIA I; Cholesterol monooxygenase (side-chain cleaving) deficiency. Identifiers: Orphanet 418, Orphanet 90790, MedGen C0342474, MONDO:0008725, OMIM 201710.

Allele frequency attached by ClinVar (database versions not stated): gnomAD 0.00001; gnomAD exomes 0.00001; ExAC 0.00003; 1000 Genomes Project 0.00020; 1000 Genomes Project 30x 0.00031.

Submissions (4):

Labcorp Genetics (formerly Invitae), Labcorp
Classification: Pathogenic. Last evaluated: 2025-11-11. Review status: criteria provided, single submitter. Criteria: Invitae Variant Classification Sherloc (09022015). Collection method: clinical testing. Allele origin: germline.
Comment: This sequence change replaces leucine, which is neutral and non-polar, with proline, which is neutral and non-polar, at codon 260 of the STAR protein (p.Leu260Pro). The frequency data for this variant in the population databases is considered unreliable, as metrics indicate poor data quality at this position in the gnomAD database. This missense change has been observed in individual(s) with congenital adrenal hyperplasia (PMID: 15985476, 20444910). In at least one individual the data is consistent with being in trans (on the opposite chromosome) from a pathogenic variant. ClinVar contains an entry for this variant (Variation ID: 553482). Invitae Evidence Modeling of protein sequence and biophysical properties (such as structural, functional, and spatial information, amino acid conservation, physicochemical variation, residue mobility, and thermodynamic stability) indicates that this missense variant is expected to disrupt STAR protein function with a positive predictive value of 80%. Experimental studies have shown that this missense change affects STAR function (PMID: 15985476, 20444910). For these reasons, this variant has been classified as Pathogenic.

Natera, Inc.
Classification: Likely pathogenic for Congenital lipoid adrenal hyperplasia. Last evaluated: 2025-10-22. Review status: criteria provided, single submitter. Criteria: Natera Variant Classification Schema (03/2026). Collection method: clinical testing. Allele origin: germline.
Comment: The c.779T>C variant in STAR is a missense variant predicted to cause substitution of leucine to proline at amino acid 260. This variant is rare in the general population with a frequency below the threshold expected for the associated phenotype(s). This variant has been observed in one or more individuals affected with the associated recessive disease, as either homozygous or compound heterozygous with a second variant (PMID: 15985476). Functional studies show that this variant may disrupt protein function (PMID: 15985476, 20444910, 32867102). Computational prediction algorithms indicate this variant is likely to affect gene or protein function. Given the available evidence, this variant is classified as Likely Pathogenic.

Fulgent Genetics
Classification: Likely pathogenic for Congenital lipoid adrenal hyperplasia due to STAR deficency. Last evaluated: 2022-04-19. Review status: criteria provided, single submitter. Criteria: ACMG Guidelines, 2015. Collection method: clinical testing. Allele origin: unknown.

Counsyl
Classification: Likely pathogenic for Congenital lipoid adrenal hyperplasia due to STAR deficency. Last evaluated: 2017-08-25. Review status: no assertion criteria provided. Collection method: clinical testing. Allele origin: unknown. Not counted in ClinVar's aggregate classification.

Literature cited by the submitters: PubMed 15985476 (cited by 3 submitters); PubMed 20444910 (cited by 3 submitters); PubMed 32867102 (cited by Natera, Inc.); PubMed 21647419 (cited by Counsyl).